The following is an entry in ClinVar:

NM_004333.6(BRAF):c.1157A>G (p.Gln386Arg)

Gene: BRAF (B-Raf proto-oncogene, serine/threonine kinase; minus strand). Cytogenetic location: 7q34.
Variant type: single nucleotide variant.
Coding change: c.1157A>G on transcript NM_004333.6 (MANE Select); coding-DNA position 1157, A replaced by G.
Protein change: p.Gln386Arg; replaces glutamine 386 with arginine.
Molecular consequence: missense variant. On other transcripts: intron variant (1).
Genome position (GRCh38, 1-based): chr7:140,787,568, T>C on the plus strand (A>G on the coding strand, the complement: BRAF is on the minus strand). VCF-style: chr7-140787568-T-C. GRCh37 (hg19) VCF-style: chr7-140487368-T-C.
Other names: p.Gln386Arg; c.1157A>G, p.Gln386Arg (NM_001354609.2, NM_001374244.1, NM_001374258.1 and 3 more transcripts); c.1166A>G, p.Gln389Arg (NM_001378467.1); c.1055A>G, p.Gln352Arg (NM_001378470.1); c.1001A>G, p.Gln334Arg (NM_001378472.1, NM_001378473.1); c.893A>G, p.Gln298Arg (NM_001378475.1); c.1141-4485A>G (NM_001378471.1); short protein forms Q386R, Q298R, Q334R, Q352R, Q389R.
Identifiers: ClinVar variation 477683 (VCV000477683.9), dbSNP rs1554401118, ClinGen allele CA369589621.

ClinVar aggregate classification (germline): Uncertain significance. Review status: criteria provided, multiple submitters, no conflicts (2 of 4 stars). 2 submissions from 2 submitters: Uncertain significance (2). Last evaluated 2025-09-26.

Conditions:
RASopathy. Also called: rasopathies; Noonan spectrum disorder. Identifiers: Orphanet 536391, MedGen C5555857, MONDO:0021060.

Submissions (2):

Mayo Clinic Laboratories, Mayo Clinic
Classification: Uncertain significance. Last evaluated: 2025-09-26. Review status: criteria provided, single submitter. Criteria: ACMG Guidelines, 2015. Collection method: clinical testing. Allele origin: germline. Observed: 1 variant allele.
Comment: PM2_supporting

Labcorp Genetics (formerly Invitae), Labcorp
Classification: Uncertain significance for RASopathy. Last evaluated: 2017-04-24. Review status: criteria provided, single submitter. Criteria: Invitae Variant Classification Sherloc (09022015). Collection method: clinical testing. Allele origin: germline.
Comment: In summary, this variant is a novel missense change that is not predicted to affect protein function. There is no indication that it causes disease, but the available evidence is currently insufficient to prove that conclusively. Therefore, it has been classified as a Variant of Uncertain Significance. Algorithms developed to predict the effect of missense changes on protein structure and function (SIFT, PolyPhen-2, Align-GVGD) all suggest that this variant is likely to be tolerated, but these predictions have not been confirmed by published functional studies. This variant is not present in population databases (ExAC no frequency) and has not been reported in the literature in individuals with a BRAF-related disease. This sequence change replaces glutamine with arginine at codon 386 of the BRAF protein (p.Gln386Arg). The glutamine residue is highly conserved and there is a small physicochemical difference between glutamine and arginine.